The following is an entry in ClinVar:

NM_001110556.2(FLNA):c.4222G>C (p.Gly1408Arg)

Gene: FLNA (filamin A; minus strand). Cytogenetic location: Xq28.
Variant type: single nucleotide variant.
Coding change: c.4222G>C on transcript NM_001110556.2 (MANE Select); coding-DNA position 4222, G replaced by C.
Protein change: p.Gly1408Arg; replaces glycine 1408 with arginine.
Molecular consequence: missense variant.
Genome position (GRCh38, 1-based): chrX:154,359,327, C>G on the plus strand (G>C on the coding strand, the complement: FLNA is on the minus strand). VCF-style: chrX-154359327-C-G. GRCh37 (hg19) VCF-style: chrX-153587695-C-G.
Other names: c.4222G>C, p.Gly1408Arg (NM_001456.4); short protein forms G1408R.
Identifiers: ClinVar variation 3365410 (VCV003365410.1).

ClinVar aggregate classification (germline): Uncertain significance (1 of 4 stars; one submission).

Submission:

GeneDx
Classification: Uncertain significance. Last evaluated: 2023-12-06. Review status: criteria provided, single submitter. Criteria: GeneDx Variant Classification Process June 2021. Collection method: clinical testing. Allele origin: germline. Affected: yes.
Comment: Not observed at significant frequency in large population cohorts (gnomAD); In silico analysis supports that this missense variant has a deleterious effect on protein structure/function; Has not been previously published as pathogenic or benign to our knowledge